The following is an entry in ClinVar:

NM_001458.5(FLNC):c.2532G>T (p.Met844Ile)

Gene: FLNC (filamin C; plus strand). Cytogenetic location: 7q32.1.
Variant type: single nucleotide variant.
Coding change: c.2532G>T on transcript NM_001458.5 (MANE Select); coding-DNA position 2532, G replaced by T.
Protein change: p.Met844Ile; replaces methionine 844 with isoleucine.
Molecular consequence: missense variant.
Genome position (GRCh38, 1-based): chr7:128,842,936, G>T. VCF-style: chr7-128842936-G-T. GRCh37 (hg19) VCF-style: chr7-128482990-G-T.
Other names: c.2532G>T, p.Met844Ile (NM_001127487.2); short protein forms M844I.
Identifiers: ClinVar variation 4826687 (VCV004826687.2).
Genomic context (GRCh38, chr7:128,842,936, plus strand): 5'-TGACAACGACACCTTCACCGTCAAGTACACGCCACCAGGGGCGGGCCGCTACACCATCAT[G>T]GTGCTGTTTGCCAACCAGGTACCTAAGCTCCTGGGTACTCACAGCGACATGCACCTGCCA-3'
Protein context (NP_001449.3, residues 834-854): TPPGAGRYTI[Met844Ile]VLFANQEIPA

ClinVar aggregate classification (germline): Uncertain significance. Review status: criteria provided, multiple submitters, no conflicts (2 of 4 stars). 2 submissions from 2 submitters: Uncertain significance (2). Last evaluated 2026-03-11.

Conditions:
Cardiovascular phenotype. Identifiers: MedGen CN230736.

gnomAD v4.1: 1 of 1,613,990 alleles (0.000062%); highest among the groups gnomAD compares: Non-Finnish European, 0.000085%; no homozygotes.

Submissions (2):

Ambry Genetics
Classification: Uncertain significance for Cardiovascular phenotype. Last evaluated: 2026-03-11. Review status: criteria provided, single submitter. Criteria: Ambry Variant Classification Scheme 2023. Collection method: clinical testing. Allele origin: germline.
Comment: The p.M844I variant (also known as c.2532G>T), located in coding exon 16 of the FLNC gene, results from a G to T substitution at nucleotide position 2532. The methionine at codon 844 is replaced by isoleucine, an amino acid with highly similar properties. This amino acid position is conserved. In addition, the in silico prediction for this alteration is inconclusive. Based on the available evidence, the clinical significance of this variant remains unclear.

Blueprint Genetics
Classification: Uncertain significance. Last evaluated: 2023-05-03. Review status: criteria provided, single submitter. Criteria: ACMG Guidelines, 2015. Collection method: clinical testing. Allele origin: germline.